The following is an entry in ClinVar:

NM_000455.5(STK11):c.741C>A (p.Asn247Lys)

Gene: STK11 (serine/threonine kinase 11; plus strand). Cytogenetic location: 19p13.3.
Variant type: single nucleotide variant.
Coding change: c.741C>A on transcript NM_000455.5 (MANE Select); coding-DNA position 741, C replaced by A.
Protein change: p.Asn247Lys; replaces asparagine 247 with lysine.
Molecular consequence: missense variant. On other transcripts: non-coding transcript variant (1).
Genome position (GRCh38, 1-based): chr19:1,221,219, C>A. VCF-style: chr19-1221219-C-A. GRCh37 (hg19) VCF-style: chr19-1221218-C-A.
Other names: c.741C>A, p.Asn247Lys (NM_001407255.1); short protein forms N247K.
Identifiers: ClinVar variation 4865204 (VCV004865204.1).

ClinVar aggregate classification (germline): Uncertain significance (1 of 4 stars; one submission).

Conditions:
Hereditary cancer-predisposing syndrome. Also called: Neoplastic Syndromes, Hereditary; Tumor predisposition; Hereditary Cancer Syndrome; Hereditary neoplastic syndrome. Identifiers: Orphanet 140162, MedGen C0027672, MeSH D009386, MONDO:0015356.

Submission:

Ambry Genetics
Classification: Uncertain significance for Hereditary cancer-predisposing syndrome. Last evaluated: 2026-04-21. Review status: criteria provided, single submitter. Criteria: Ambry Variant Classification Scheme 2023. Collection method: clinical testing. Allele origin: germline.
Comment: The p.N247K variant (also known as c.741C>A), located in coding exon 6 of the STK11 gene, results from a C to A substitution at nucleotide position 741. The asparagine at codon 247 is replaced by lysine, an amino acid with similar properties. This amino acid position is highly conserved in available vertebrate species. In addition, the in silico prediction for this alteration is inconclusive. Based on the available evidence, the clinical significance of this variant remains unclear.